The following is an entry in ClinVar:

NM_017721.5(CC2D1A):c.905G>A (p.Arg302Gln)

Gene: CC2D1A (coiled-coil and C2 domain containing 1A; plus strand). Cytogenetic location: 19p13.12.
Variant type: single nucleotide variant.
Coding change: c.905G>A on transcript NM_017721.5 (MANE Select); coding-DNA position 905, G replaced by A.
Protein change: p.Arg302Gln; replaces arginine 302 with glutamine.
Molecular consequence: missense variant.
Genome position (GRCh38, 1-based): chr19:13,918,535, G>A. VCF-style: chr19-13918535-G-A. GRCh37 (hg19) VCF-style: chr19-14029348-G-A.
Other names: short protein forms R302Q.
Identifiers: ClinVar variation 376960 (VCV000376960.40), dbSNP rs73922801, ClinGen allele CA9244462.

ClinVar aggregate classification (germline): Benign/Likely benign. Review status: criteria provided, multiple submitters, no conflicts (2 of 4 stars). 6 submissions from 6 submitters: Benign (1); Likely benign (4). 1 of the submissions does not count toward it. Last evaluated 2026-01-09.

Conditions:
CC2D1A-related disorder. Also called: CC2D1A-related condition.
Inborn genetic diseases. Identifiers: MedGen C0950123, MeSH D030342.

Allele frequency attached by ClinVar (database versions not stated): gnomAD exomes 0.00067; ExAC 0.00083; ESP Exome Variant Server 0.00253; TOPMed 0.00264; gnomAD 0.00267 and 0.00283; 1000 Genomes Project 0.00300; 1000 Genomes Project 30x 0.00312.
gnomAD v4.1: 742 of 1,613,760 alleles (0.046%); highest among the groups gnomAD compares: African/African-American, 0.85%; 2 homozygotes.

Submissions (6):

Labcorp Genetics (formerly Invitae), Labcorp
Classification: Benign. Last evaluated: 2026-01-09. Review status: criteria provided, single submitter. Criteria: Invitae Variant Classification Sherloc (09022015). Collection method: clinical testing. Allele origin: germline.

Ambry Genetics
Classification: Likely benign for Inborn genetic diseases. Last evaluated: 2024-09-25. Review status: criteria provided, single submitter. Criteria: Ambry Variant Classification Scheme 2023. Collection method: clinical testing. Allele origin: germline.

Blueprint Genetics
Classification: Likely benign. Last evaluated: 2024-07-08. Review status: criteria provided, single submitter. Criteria: ACMG Guidelines, 2015. Collection method: clinical testing. Allele origin: germline.

CeGaT Center for Human Genetics Tuebingen
Classification: Likely benign. Last evaluated: 2023-07-01. Review status: criteria provided, single submitter. Criteria: CeGaT Center For Human Genetics Tuebingen Variant Classification Criteria Version 2. Collection method: clinical testing. Allele origin: germline. Affected: yes. Observed: 1 variant allele.
Comment: CC2D1A: BP4

Center for Pediatric Genomic Medicine, Children's Mercy Hospital and Clinics
Classification: Likely benign. Last evaluated: 2016-12-06. Review status: criteria provided, single submitter. Criteria: ACMG Guidelines, 2015. Collection method: clinical testing. Allele origin: germline.
ClinVar note: Converted during submission from Likely Benign to Likely benign.

PreventionGenetics, part of Exact Sciences
Classification: Benign for CC2D1A-related condition. Last evaluated: 2023-12-21. Review status: no assertion criteria provided. Collection method: clinical testing. Allele origin: germline. Not counted in ClinVar's aggregate classification.
Comment: This variant is classified as benign based on ACMG/AMP sequence variant interpretation guidelines (Richards et al. 2015 PMID: 25741868, with internal and published modifications).